The following is an entry in ClinVar:

ClinVar aggregate classification (germline): Uncertain significance (1 of 4 stars; one submission).

Conditions:
Acrocallosal syndrome (ACLS). Also called: Schinzel syndrome 1; Absence of corpus callosum with unusual facial appearance, mental deficiency, duplication of the halluces and polydactyly; HALLUX DUPLICATION, POSTAXIAL POLYDACTYLY, AND ABSENCE OF CORPUS CALLOSUM. Identifiers: Orphanet 36, MedGen C0796147, MONDO:0008708, OMIM 200990.

Allele frequency attached by ClinVar (database versions not stated): TOPMed below 0.00001; gnomAD exomes 0.00001 and 0.00002; ExAC 0.00003.
gnomAD v4.1: 11 of 1,612,514 alleles (0.00068%); highest among the groups gnomAD compares: South Asian, 0.0088%; no homozygotes.

Submission:

Labcorp Genetics (formerly Invitae), Labcorp
Classification: Uncertain significance for Acrocallosal syndrome. Last evaluated: 2022-07-12. Review status: criteria provided, single submitter. Criteria: Invitae Variant Classification Sherloc (09022015). Collection method: clinical testing. Allele origin: germline.
Comment: In summary, the available evidence is currently insufficient to determine the role of this variant in disease. Therefore, it has been classified as a Variant of Uncertain Significance. Algorithms developed to predict the effect of missense changes on protein structure and function are either unavailable or do not agree on the potential impact of this missense change (SIFT: "Deleterious"; PolyPhen-2: "Possibly Damaging"; Align-GVGD: "Class C0"). ClinVar contains an entry for this variant (Variation ID: 1405439). This variant has not been reported in the literature in individuals affected with KIF7-related conditions. This variant is present in population databases (rs750635928, gnomAD 0.01%). This sequence change replaces arginine, which is basic and polar, with threonine, which is neutral and polar, at codon 1233 of the KIF7 protein (p.Arg1233Thr).

NM_198525.3(KIF7):c.3698G>C (p.Arg1233Thr)

Gene: KIF7 (kinesin family member 7; minus strand). Cytogenetic location: 15q26.1.
Variant type: single nucleotide variant.
Coding change: c.3698G>C on transcript NM_198525.3 (MANE Select); coding-DNA position 3698, G replaced by C.
Protein change: p.Arg1233Thr; replaces arginine 1233 with threonine.
Molecular consequence: missense variant.
Genome position (GRCh38, 1-based): chr15:89,628,753, C>G on the plus strand (G>C on the coding strand, the complement: KIF7 is on the minus strand). VCF-style: chr15-89628753-C-G. GRCh37 (hg19) VCF-style: chr15-90171984-C-G.
Other names: short protein forms R1233T.
Identifiers: ClinVar variation 1405439 (VCV001405439.7), dbSNP rs750635928, ClinGen allele CA7727570.
Genomic context (GRCh38, chr15:89,628,753, plus strand): 5'-GGGGACAGCCAGAGAAGCTCGGGTGCCAGGTGGAGCTCATCTTCATTTCCAGGAGCCTGT[C>G]TGCCCTCCGAGCACAGGCTCCTCTTCTCCCCACCTGTCATGGAGAGTAACGTGTCCTCAT-3'
Protein context (NP_940927.2, residues 1223-1243): GEKRSLCSEG[Arg1233Thr]QAPGNEDELH